The following is an entry in ClinVar:

ClinVar aggregate classification (germline): Uncertain significance (1 of 4 stars; one submission).

Conditions:
CHARGE syndrome (CHARGE). Also called: Hittner Hirsch Kreh syndrome; CHARGE ASSOCIATION--COLOBOMA, HEART ANOMALY, CHOANAL ATRESIA, RETARDATION, GENITAL AND EAR ANOMALIES; Coloboma, heart anomaly, choanal atresia, retardation, genital and ear anomalies; CHARGE association; Hall-Hittner syndrome. Identifiers: Orphanet 138, MedGen C0265354, MONDO:0008965.

Allele frequency attached by ClinVar (database versions not stated): ExAC 0.00001.

Submission:

MVZ Medizinische Genetik Mainz
Classification: Uncertain significance for CHD7-related CHARGE syndrome. Last evaluated: 2022-01-14. Review status: criteria provided, single submitter. Criteria: UK Practice Guidelines For Variant Classification V4 01 2020. Collection method: clinical testing. Allele origin: germline. Inheritance: Autosomal dominant inheritance. Affected: yes. Observed: 1 variant allele.
Comment: ACMG Criteria: PM2_SUP, PP3

NM_017780.4(CHD7):c.3523-42A>G

Gene: CHD7 (chromodomain helicase DNA binding protein 7; plus strand). Cytogenetic location: 8q12.2.
Variant type: single nucleotide variant.
Coding change: c.3523-42A>G on transcript NM_017780.4 (MANE Select); 42 bases into the intron before coding-DNA position 3523, A replaced by G.
Molecular consequence: intron variant.
Genome position (GRCh38, 1-based): chr8:60,830,280, A>G. VCF-style: chr8-60830280-A-G. GRCh37 (hg19) VCF-style: chr8-61742839-A-G.
Other names: c.1717-31949A>G (NM_001316690.1).
Identifiers: ClinVar variation 3235218 (VCV003235218.1), dbSNP rs777190483.